The following is an entry in ClinVar:

ClinVar aggregate classification (germline): Uncertain significance (1 of 4 stars; one submission).

Submission:

Labcorp Genetics (formerly Invitae), Labcorp
Classification: Uncertain significance. Last evaluated: 2025-11-18. Review status: criteria provided, single submitter. Criteria: Invitae Variant Classification Sherloc (09022015). Collection method: clinical testing. Allele origin: germline.
Comment: This sequence change replaces valine, which is neutral and non-polar, with glycine, which is neutral and non-polar, at codon 200 of the POLE protein (p.Val200Gly). Information on the frequency of this variant in the gnomAD database is not available, as this variant may be reported differently in the database. This variant has not been reported in the literature in individuals affected with POLE-related conditions. ClinVar contains an entry for this variant (Variation ID: 2073093). An algorithm developed to predict the effect of missense changes on protein structure and function (PolyPhen-2) suggests that this variant is likely to be tolerated. In summary, the available evidence is currently insufficient to determine the role of this variant in disease. Therefore, it has been classified as a Variant of Uncertain Significance.

NM_006231.4(POLE):c.599_600delinsGT (p.Val200Gly)

Gene: POLE (DNA polymerase epsilon, catalytic subunit; minus strand). Cytogenetic location: 12q24.33.
Variant type: Indel.
Coding change: c.599_600delinsGT on transcript NM_006231.4 (MANE Select); coding-DNA positions 599 to 600, TC replaced by GT.
Protein change: p.Val200Gly; replaces valine 200 with glycine.
Molecular consequence: missense variant.
Genome position (GRCh38, 1-based): chr12:132,677,698-132,677,699, GA replaced by AC on the plus strand (TC replaced by GT on the coding strand, the reverse complement: POLE is on the minus strand). VCF-style: chr12-132677698-GA-AC. GRCh37 (hg19) VCF-style: chr12-133254284-GA-AC.
Other names: short protein forms V200G.
Identifiers: ClinVar variation 2073093 (VCV002073093.4), dbSNP rs2542181016, ClinGen allele CA2580086192.